The following is an entry in ClinVar:

NM_139318.5(KCNH5):c.2753_2754del (p.Lys918fs)

Gene: KCNH5 (potassium voltage-gated channel subfamily H member 5; minus strand). Cytogenetic location: 14q23.2.
Variant type: Deletion.
Coding change: c.2753_2754del on transcript NM_139318.5 (MANE Select); coding-DNA positions 2753 to 2754, 2 bases deleted (AA; older notation c.2753_2754delAA).
Protein change: p.Lys918fs; shifts the reading frame from lysine 918.
Molecular consequence: frameshift variant. On other transcripts: 3 prime UTR variant (1).
Genome position (GRCh38, 1-based): chr14:62,707,721-62,707,722, TT deleted on the plus strand (AA on the coding strand, the reverse complement: KCNH5 is on the minus strand); deleting any 2 consecutive bases within chr14:62,707,721-62,707,723 gives the same sequence; the c. name uses the placement nearest the transcript's 3' end. VCF-style (leftmost placement, unchanged base first): chr14-62707720-CTT-C. GRCh37 (hg19) VCF-style: chr14-63174438-CTT-C.
Other names: c.*720_*721del (NM_172375.3); short protein forms K918fs.
Identifiers: ClinVar variation 3776709 (VCV003776709.1).

ClinVar aggregate classification (germline): Uncertain significance (1 of 4 stars; one submission).

Submission:

GeneDx
Classification: Uncertain significance. Last evaluated: 2024-10-03. Review status: criteria provided, single submitter. Criteria: GeneDx Variant Classification Process June 2021. Collection method: clinical testing. Allele origin: germline. Affected: yes.
Comment: Not observed at significant frequency in large population cohorts (gnomAD); Has not been previously published as pathogenic or benign to our knowledge; Frameshift variant predicted to result in abnormal protein length as the last 71 amino acid(s) are replaced with 53 different amino acid(s) with an unclear effect on protein function